The following is an entry in ClinVar:

ClinVar aggregate classification (germline): Likely benign. Review status: criteria provided, multiple submitters, no conflicts (2 of 4 stars). 4 submissions from 4 submitters: Likely benign (4). Last evaluated 2025-11-11.

Conditions:
Aortic aneurysm, familial thoracic 4 (AAT4). Also called: AORTIC ANEURYSM/AORTIC DISSECTION AND PATENT DUCTUS ARTERIOSUS. Identifiers: MedGen C1851504, MONDO:0007568, OMIM 132900.
Familial thoracic aortic aneurysm and aortic dissection (TAAD). Also called: Thoracic aortic aneurysms and dissections. Identifiers: Orphanet 91387, MedGen C4707243, MONDO:0019625.

Allele frequency attached by ClinVar (database versions not stated): gnomAD exomes 0.00001.
gnomAD v4.1: 5 of 1,614,154 alleles (0.00031%); highest among the groups gnomAD compares: East Asian, 0.0022%; no homozygotes.

Submissions (4):

Labcorp Genetics (formerly Invitae), Labcorp
Classification: Likely benign for Aortic aneurysm, familial thoracic 4. Last evaluated: 2025-11-11. Review status: criteria provided, single submitter. Criteria: Invitae Variant Classification Sherloc (09022015). Collection method: clinical testing. Allele origin: germline.

All of Us Research Program, National Institutes of Health
Classification: Likely benign for Familial thoracic aortic aneurysm and aortic dissection. Last evaluated: 2023-11-28. Review status: criteria provided, single submitter. Criteria: ACMG Guidelines, 2015. Collection method: clinical testing. Allele origin: germline. Inheritance: Autosomal dominant inheritance. Observed: 3 variant alleles, 3 heterozygotes.
Comment: This study involves interpretation of variants in research participants for the purpose of population health screening. Participant phenotype was not available at the time of variant classification. Additional details can be found in publication PMID: 35346344, PMCID: PMC8962531

ARUP Laboratories, Molecular Genetics and Genomics, ARUP Laboratories
Classification: Likely benign. Last evaluated: 2023-11-27. Review status: criteria provided, single submitter. Criteria: ARUP Molecular Germline Variant Investigation Process 2024. Collection method: clinical testing. Allele origin: germline.

Color Diagnostics, LLC DBA Color Health
Classification: Likely benign for Familial thoracic aortic aneurysm and aortic dissection. Last evaluated: 2018-11-08. Review status: criteria provided, single submitter. Criteria: ACMG Guidelines, 2015. Collection method: clinical testing. Allele origin: germline.

NM_002474.3(MYH11):c.3420G>A (p.Gln1140=)

Gene: MYH11 (myosin heavy chain 11; minus strand). Cytogenetic location: 16p13.11.
Variant type: single nucleotide variant.
Coding change: c.3420G>A on transcript NM_002474.3 (MANE Select); coding-DNA position 3420, G replaced by A.
Protein change: p.Gln1140=; no amino-acid change (glutamine 1140 retained).
Molecular consequence: synonymous variant.
Genome position (GRCh38, 1-based): chr16:15,735,452, C>T on the plus strand (G>A on the coding strand, the complement: MYH11 is on the minus strand). VCF-style: chr16-15735452-C-T. GRCh37 (hg19) VCF-style: chr16-15829309-C-T.
Other names: c.3441G>A, p.Gln1147= (NM_001040113.2, NM_001040114.2); c.3420G>A, p.Gln1140= (NM_022844.3).
Identifiers: ClinVar variation 918627 (VCV000918627.5), dbSNP rs972414065, ClinGen allele CA278621150.